The following is an entry in ClinVar:

NM_000142.5(FGFR3):c.448G>C (p.Ala150Pro)

Gene: FGFR3 (fibroblast growth factor receptor 3; plus strand). Cytogenetic location: 4p16.3.
Variant type: single nucleotide variant.
Coding change: c.448G>C on transcript NM_000142.5 (MANE Select); coding-DNA position 448, G replaced by C.
Protein change: p.Ala150Pro; replaces alanine 150 with proline.
Molecular consequence: missense variant. On other transcripts: non-coding transcript variant (1).
Genome position (GRCh38, 1-based): chr4:1,801,369, G>C. VCF-style: chr4-1801369-G-C. GRCh37 (hg19) VCF-style: chr4-1803096-G-C.
Other names: c.448G>C, p.Ala150Pro (NM_001163213.2, NM_001354809.2, NM_001354810.2 and 1 more transcripts); short protein forms A150P.
Identifiers: ClinVar variation 2907494 (VCV002907494.3), dbSNP rs1477909570, ClinGen allele CA355974757.

ClinVar aggregate classification (germline): Uncertain significance (1 of 4 stars; one submission).

Allele frequency attached by ClinVar (database versions not stated): gnomAD 0.00001; TOPMed 0.00002.
gnomAD v4.1: 31 of 1,554,368 alleles (0.002%); highest among the groups gnomAD compares: East Asian, 0.0096%; no homozygotes.

Submission:

Labcorp Genetics (formerly Invitae), Labcorp
Classification: Uncertain significance. Last evaluated: 2024-11-06. Review status: criteria provided, single submitter. Criteria: Invitae Variant Classification Sherloc (09022015). Collection method: clinical testing. Allele origin: germline.
Comment: This sequence change replaces alanine, which is neutral and non-polar, with proline, which is neutral and non-polar, at codon 150 of the FGFR3 protein (p.Ala150Pro). The frequency data for this variant in the population databases is considered unreliable, as metrics indicate poor data quality at this position in the gnomAD database. This variant has not been reported in the literature in individuals affected with FGFR3-related conditions. ClinVar contains an entry for this variant (Variation ID: 2907494). An algorithm developed to predict the effect of missense changes on protein structure and function (PolyPhen-2) suggests that this variant is likely to be tolerated. In summary, the available evidence is currently insufficient to determine the role of this variant in disease. Therefore, it has been classified as a Variant of Uncertain Significance.